The following is an entry in ClinVar:

NM_001792.5(CDH2):c.2387T>G (p.Val796Gly)

Genes: CDH2 (cadherin 2; minus strand), CDH2-AS1 (CDH2 antisense RNA 1; plus strand). Cytogenetic location: 18q12.1.
Variant type: single nucleotide variant.
Coding change: c.2387T>G on transcript NM_001792.5 (MANE Select); coding-DNA position 2387, T replaced by G.
Protein change: p.Val796Gly; replaces valine 796 with glycine.
Molecular consequence: missense variant. On other transcripts: non-coding transcript variant (1).
Genome position (GRCh38, 1-based): chr18:27,963,484, A>C on the plus strand (T>G on the coding strand, the complement: CDH2 is on the minus strand). VCF-style: chr18-27963484-A-C. GRCh37 (hg19) VCF-style: chr18-25543448-A-C.
Other names: c.2294T>G, p.Val765Gly (NM_001308176.2); short protein forms V765G, V796G.
Identifiers: ClinVar variation 4732695 (VCV004732695.1).
Genomic context (GRCh38, chr18:27,963,484, plus strand): 5'-GCGTGGATGGGTCTTTCATCCATTCGTCGGATTCCCACAGGCTTGATGGCATCAGGCTCC[A>C]CAGTGTCAGGCTGCTGCAGCTGGCTCAAGTCATAGTCCTGCAAAAAGACAAAATCAAAAA-3'
Protein context (NP_001783.2, residues 786-806): DLSQLQQPDT[Val796Gly]EPDAIKPVGI

ClinVar aggregate classification (germline): Uncertain significance (1 of 4 stars; one submission).

Submission:

Labcorp Genetics (formerly Invitae), Labcorp
Classification: Uncertain significance. Last evaluated: 2025-12-13. Review status: criteria provided, single submitter. Criteria: Invitae Variant Classification Sherloc (09022015). Collection method: clinical testing. Allele origin: germline.
Comment: This sequence change replaces valine, which is neutral and non-polar, with glycine, which is neutral and non-polar, at codon 796 of the CDH2 protein (p.Val796Gly). This variant is not present in population databases (gnomAD no frequency). This variant has not been reported in the literature in individuals affected with CDH2-related conditions. An algorithm developed to predict the effect of missense changes on protein structure and function (PolyPhen-2) suggests that this variant is likely to be disruptive. In summary, the available evidence is currently insufficient to determine the role of this variant in disease. Therefore, it has been classified as a Variant of Uncertain Significance.